The following is an entry in ClinVar:

ClinVar aggregate classification (germline): Uncertain significance. Review status: criteria provided, multiple submitters, no conflicts (2 of 4 stars). 2 submissions from 2 submitters: Uncertain significance (2). Last evaluated 2022-08-16.

Allele frequency attached by ClinVar (database versions not stated): 1000 Genomes Project 30x 0.00016; TOPMed 0.00004; ExAC 0.00007; gnomAD 0.00003; gnomAD exomes 0.00007; 1000 Genomes Project 0.00020.

Submissions (2):

Labcorp Genetics (formerly Invitae), Labcorp
Classification: Uncertain significance. Last evaluated: 2022-08-16. Review status: criteria provided, single submitter. Criteria: Invitae Variant Classification Sherloc (09022015). Collection method: clinical testing. Allele origin: germline.
Comment: This sequence change replaces isoleucine, which is neutral and non-polar, with serine, which is neutral and polar, at codon 84 of the PLOD2 protein (p.Ile84Ser). This variant is present in population databases (rs369085322, gnomAD 0.09%). This variant has not been reported in the literature in individuals affected with PLOD2-related conditions. ClinVar contains an entry for this variant (Variation ID: 1465931). Algorithms developed to predict the effect of missense changes on protein structure and function are either unavailable or do not agree on the potential impact of this missense change (SIFT: "Tolerated"; PolyPhen-2: "Possibly Damaging"; Align-GVGD: "Class C0"). In summary, the available evidence is currently insufficient to determine the role of this variant in disease. Therefore, it has been classified as a Variant of Uncertain Significance.

Breakthrough Genomics
Classification: Uncertain significance. Review status: criteria provided, single submitter. Criteria: ACMG Guidelines, 2015. Collection method: not provided. Allele origin: germline. Inheritance: Autosomal recessive inheritance. Affected: yes.

NM_182943.3(PLOD2):c.251T>G (p.Ile84Ser)

Gene: PLOD2 (procollagen-lysine,2-oxoglutarate 5-dioxygenase 2; minus strand). Cytogenetic location: 3q24.
Variant type: single nucleotide variant.
Coding change: c.251T>G on transcript NM_182943.3 (MANE Select); coding-DNA position 251, T replaced by G.
Protein change: p.Ile84Ser; replaces isoleucine 84 with serine.
Molecular consequence: missense variant.
Genome position (GRCh38, 1-based): chr3:146,121,199, A>C on the plus strand (T>G on the coding strand, the complement: PLOD2 is on the minus strand). VCF-style: chr3-146121199-A-C. GRCh37 (hg19) VCF-style: chr3-145838986-A-C.
Other names: c.251T>G, p.Ile84Ser (NM_000935.3); short protein forms I84S.
Identifiers: ClinVar variation 1465931 (VCV001465931.6), dbSNP rs369085322, ClinGen allele CA2655303.
Genomic context (GRCh38, chr3:146,121,199, plus strand): 5'-TCTTGATCAGCATAGTGTTCCATGACTTCTTTCATTAATCTCACTTTCTGGCCCCCTCCA[A>C]TACTATTAATTCCATCACCACCTCTCCATTCTTCTCCTTGACCAAGGACCTATAAACAAA-3'
Protein context (NP_891988.1, residues 74-94): EWRGGDGINS[Ile84Ser]GGGQKVRLMK